The following is an entry in ClinVar:

NM_000321.3(RB1):c.2280del (p.Phe760fs)

Gene: RB1 (RB transcriptional corepressor 1; plus strand). Cytogenetic location: 13q14.2.
Variant type: Deletion.
Coding change: c.2280del on transcript NM_000321.3 (MANE Select); coding-DNA position 2280, one base deleted (C; older notation c.2280delC).
Protein change: p.Phe760fs; shifts the reading frame from phenylalanine 760.
Molecular consequence: frameshift variant.
Genome position (GRCh38, 1-based): chr13:48,465,066, C deleted. VCF-style (leftmost placement, unchanged base first): chr13-48465065-TC-T. GRCh37 (hg19) VCF-style: chr13-49039201-TC-T.
Other names: short protein forms F760fs.
Identifiers: ClinVar variation 1457000 (VCV001457000.6), dbSNP rs2138344869, ClinGen allele CA2573149618.

ClinVar aggregate classification (germline): Pathogenic (1 of 4 stars; one submission).

Conditions:
Retinoblastoma (RB1). Also called: RETINOBLASTOMA, SOMATIC. Identifiers: Orphanet 790, MedGen C0035335, MeSH D012175, MONDO:0008380, OMIM 180200, HP:0009919. Disease mechanism: loss of function. Inheritance: Both sporadic and heritable forms are tested..

Submission:

Labcorp Genetics (formerly Invitae), Labcorp
Classification: Pathogenic for Retinoblastoma. Last evaluated: 2021-04-23. Review status: criteria provided, single submitter. Criteria: Invitae Variant Classification Sherloc (09022015). Collection method: clinical testing. Allele origin: germline.
Comment: This sequence change creates a premature translational stop signal (p.Phe760Leufs*5) in the RB1 gene. It is expected to result in an absent or disrupted protein product. Loss-of-function variants in RB1 are known to be pathogenic (PMID: 17096365). This variant is not present in population databases (ExAC no frequency). This variant has not been reported in the literature in individuals with RB1-related conditions. For these reasons, this variant has been classified as Pathogenic.

Literature cited by the submitters: PubMed 17096365.